The following is an entry in ClinVar:

NM_001267550.2(TTN):c.90702del (p.Phe30234fs)

Genes: TTN-AS1 (TTN antisense RNA 1; plus strand), TTN (titin; minus strand). Cytogenetic location: 2q31.2.
Variant type: Deletion.
Coding change: c.90702del on transcript NM_001267550.2 (MANE Select); coding-DNA position 90702, one base deleted (T; older notation c.90702delT).
Protein change: p.Phe30234fs; shifts the reading frame from phenylalanine 30234.
Molecular consequence: frameshift variant.
Genome position (GRCh38, 1-based): chr2:178,552,198, A deleted on the plus strand (T on the coding strand, the reverse complement: TTN is on the minus strand); the first of 3 consecutive A bases (chr2:178,552,198-178,552,200); deleting any one gives the same sequence. VCF-style (leftmost placement, unchanged base first): chr2-178552197-CA-C. GRCh37 (hg19) VCF-style: chr2-179416924-CA-C.
Other names: c.85779del, p.Phe28593fs (NM_001256850.1); c.63507del, p.Phe21169fs (NM_003319.4); c.82998del, p.Phe27666fs (NM_133378.4); c.63882del, p.Phe21294fs (NM_133432.3); c.64083del, p.Phe21361fs (NM_133437.4); short protein forms F28593fs, F30234fs, F21294fs, F27666fs, F21169fs, F21361fs.
Identifiers: ClinVar variation 2943721 (VCV002943721.3), dbSNP rs2469281187, ClinGen allele CA2740095993.
Genomic context (GRCh38, chr2:178,552,197, plus strand): 5'-CTCCTCCATTATCTTCAGGTACATCCCATGACAGGATGACACTATCAGCCTTGATTTCAT[CA>C]AATCGAATGGGTCCTTTGGGCTTTGATGGTGGGCCAAGGGTGATGACTGTAATGGGGACT-3'

ClinVar aggregate classification (germline): Likely pathogenic (1 of 4 stars; one submission).

Conditions:
Dilated cardiomyopathy 1G (CMD1G). Identifiers: Orphanet 154, MedGen C1858763, MONDO:0011400, OMIM 604145.
Autosomal recessive limb-girdle muscular dystrophy type 2J (LGMDR10). Also called: MUSCULAR DYSTROPHY, LIMB-GIRDLE, AUTOSOMAL RECESSIVE 10; Limb-girdle muscular dystrophy, type 2J. Identifiers: Orphanet 140922, MedGen C1837342, MONDO:0012127, OMIM 608807.

Submission:

Labcorp Genetics (formerly Invitae), Labcorp
Classification: Likely pathogenic for Dilated cardiomyopathy 1G; Autosomal recessive limb-girdle muscular dystrophy type 2J. Last evaluated: 2023-01-29. Review status: criteria provided, single submitter. Criteria: Invitae Variant Classification Sherloc (09022015). Collection method: clinical testing. Allele origin: germline.
Comment: In summary, the currently available evidence indicates that the variant is pathogenic, but additional data are needed to prove that conclusively. Therefore, this variant has been classified as Likely Pathogenic. This variant is located in the A band of TTN (PMID: 25589632). Truncating variants in this region are significantly overrepresented in patients affected with dilated cardiomyopathy (PMID: 25589632). Truncating variants in this region have also been reported in individuals affected with autosomal recessive centronuclear myopathy (PMID: 23975875). This variant has not been reported in the literature in individuals affected with TTN-related conditions. This variant is not present in population databases (gnomAD no frequency). This sequence change creates a premature translational stop signal (p.Phe30234Leufs*56) in the TTN gene. While this is not anticipated to result in nonsense mediated decay, it is expected to create a truncated TTN protein.

Literature cited by the submitters: PubMed 25589632; PubMed 23975875.